The following is an entry in ClinVar:

NM_000038.6(APC):c.2869A>T (p.Lys957Ter)

Gene: APC (APC regulator of Wnt signaling pathway; plus strand). Cytogenetic location: 5q22.2.
Variant type: single nucleotide variant.
Coding change: c.2869A>T on transcript NM_000038.6 (MANE Select); coding-DNA position 2869, A replaced by T.
Protein change: p.Lys957Ter; replaces lysine 957 with a stop codon.
Molecular consequence: nonsense. On other transcripts: non-coding transcript variant (2).
Genome position (GRCh38, 1-based): chr5:112,838,463, A>T. VCF-style: chr5-112838463-A-T. GRCh37 (hg19) VCF-style: chr5-112174160-A-T.
Other names: c.2869A>T, p.Lys957Ter (NM_001127510.3, NM_001354895.2, NM_001407450.1); c.2815A>T, p.Lys939Ter (NM_001127511.3); c.2923A>T, p.Lys975Ter (NM_001354896.2, NM_001407447.1, NM_001407448.1 and 1 more transcripts); c.2899A>T, p.Lys967Ter (NM_001354897.2); c.2794A>T, p.Lys932Ter (NM_001354898.2); c.2785A>T, p.Lys929Ter (NM_001354899.2); c.2746A>T, p.Lys916Ter (NM_001354900.2); c.2692A>T, p.Lys898Ter (NM_001354901.2, NM_001407453.1); and 11 more; short protein forms K573*, K674*, K797*, K828*, K831*, K856*, K866*, K874*.
Identifiers: ClinVar variation 2583278 (VCV002583278.2), dbSNP rs2149879138, ClinGen allele CA16027591.

ClinVar aggregate classification (germline): Pathogenic (1 of 4 stars; one submission).

Conditions:
Familial adenomatous polyposis 1 (FAP1). Also called: POLYPOSIS, ADENOMATOUS INTESTINAL; FAMILIAL ADENOMATOUS POLYPOSIS 1, ATTENUATED. Identifiers: MedGen C2713442, MONDO:0021056, OMIM 175100. Disease mechanism: loss of function.

Submission:

Myriad Genetics, Inc.
Classification: Pathogenic for Familial adenomatous polyposis 1. Last evaluated: 2023-05-05. Review status: criteria provided, single submitter. Criteria: Myriad Autosomal Dominant, Autosomal Recessive and X-Linked Classification Criteria (2023). Collection method: clinical testing. Allele origin: unknown.
Comment: This variant is considered pathogenic. This variant creates a termination codon and is predicted to result in premature protein truncation.